The following is an entry in ClinVar:

ClinVar aggregate classification (germline): Pathogenic/Likely pathogenic. Review status: criteria provided, multiple submitters, no conflicts (2 of 4 stars). 10 submissions from 9 submitters: Pathogenic (6); Likely pathogenic (3). 1 of the submissions does not count toward it. Last evaluated 2026-01-29.

Conditions:
CRB1-related disorder. Also called: CRB1-related condition; CRB1-related disorders.
Retinitis pigmentosa 12 (RP12). Also called: RP WITH OR WITHOUT PPRPE; RP WITH OR WITHOUT PRESERVED PARAARTERIOLE RETINAL PIGMENT EPITHELIUM; RETINITIS PIGMENTOSA WITH OR WITHOUT PARAARTERIOLAR PRESERVATION OF RETINAL PIGMENT EPITHELIUM. Identifiers: Orphanet 791, MedGen C1838647, MONDO:0010818, OMIM 600105.
Leber congenital amaurosis 8 (LCA8). Identifiers: Orphanet 65, MedGen C3151202, MONDO:0013453, OMIM 613835.
Retinal dystrophy. Also called: Inherited retinal dystrophy. Identifiers: Orphanet 71862, MedGen C0854723, MeSH D058499, MONDO:0019118, HP:0000556.
Pigmented paravenous retinochoroidal atrophy. Identifiers: Orphanet 251295, MedGen C1868310, MONDO:0008246, OMIM 172870.
Leber congenital amaurosis (LCA). Also called: Leber's amaurosis. Identifiers: Orphanet 65, MedGen C0339527, MeSH D057130, MONDO:0018998.

Allele frequency attached by ClinVar (database versions not stated): ExAC 0.00001; gnomAD 0.00001 and 0.00002; gnomAD exomes 0.00001; TOPMed 0.00002.
gnomAD v4.1: 24 of 1,613,700 alleles (0.0015%); highest among the groups gnomAD compares: Non-Finnish European, 0.0019%; no homozygotes.

Submissions (10):

Natera, Inc.
Classification: Pathogenic for Leber congenital amaurosis. Last evaluated: 2026-01-29. Review status: criteria provided, single submitter. Criteria: Natera Variant Classification Schema (03/2026). Collection method: clinical testing. Allele origin: germline.
Comment: The c.2171A>G variant in CRB1 is a missense variant predicted to cause substitution of tyrosine to cysteine at amino acid 724. This variant is rare in the general population with a frequency below the threshold expected for the associated phenotype(s). This variant has been observed in one or more individuals affected with the associated recessive disease, as either homozygous or compound heterozygous with a second variant (PMID: 39062705, 37217489, 34321860, 32037395). Computational prediction algorithms indicate this variant is likely to affect gene or protein function. Given the available evidence, this variant is classified as Pathogenic.

Labcorp Genetics (formerly Invitae), Labcorp
Classification: Pathogenic for Leber congenital amaurosis 8; Retinitis pigmentosa 12. Last evaluated: 2026-01-21. Review status: criteria provided, single submitter. Criteria: Invitae Variant Classification Sherloc (09022015). Collection method: clinical testing. Allele origin: germline.
Comment: This sequence change replaces tyrosine, which is neutral and polar, with cysteine, which is neutral and slightly polar, at codon 724 of the CRB1 protein (p.Tyr724Cys). This variant is present in population databases (rs765676754, gnomAD 0.002%). This missense change has been observed in individual(s) with CRB1-related conditions (PMID: 24512366, 28559085; internal data). In at least one individual the data is consistent with being in trans (on the opposite chromosome) from a pathogenic variant. ClinVar contains an entry for this variant (Variation ID: 872033). Invitae Evidence Modeling of protein sequence and biophysical properties (such as structural, functional, and spatial information, amino acid conservation, physicochemical variation, residue mobility, and thermodynamic stability) has been performed for this missense variant. However, the output from this modeling did not meet the statistical confidence thresholds required to predict the impact of this variant on CRB1 protein function. For these reasons, this variant has been classified as Pathogenic.

Blueprint Genetics
Classification: Pathogenic for CRB1-related disorders. Last evaluated: 2024-10-17. Review status: criteria provided, single submitter. Criteria: ACMG Guidelines, 2015. Collection method: clinical testing. Allele origin: germline. Affected: yes. Observed: 5 variant alleles.

Fulgent Genetics
Classification: Likely pathogenic for Pigmented paravenous retinochoroidal atrophy; Retinitis pigmentosa 12; Leber congenital amaurosis 8. Last evaluated: 2024-06-07. Review status: criteria provided, single submitter. Criteria: ACMG Guidelines, 2015. Collection method: clinical testing. Allele origin: germline.

Baylor Genetics
Classification: Likely pathogenic for Leber congenital amaurosis 8. Last evaluated: 2023-12-30. Review status: criteria provided, single submitter. Criteria: ACMG Guidelines, 2015. Collection method: clinical testing. Allele origin: unknown.

Genome-Nilou Lab
Classification: Pathogenic for Leber congenital amaurosis 8. Last evaluated: 2023-04-11. Review status: criteria provided, single submitter. Criteria: ACMG Guidelines, 2015. Collection method: clinical testing. Allele origin: germline. Affected: no.

Genome-Nilou Lab
Classification: Pathogenic for Retinitis pigmentosa 12. Last evaluated: 2023-04-11. Review status: criteria provided, single submitter. Criteria: ACMG Guidelines, 2015. Collection method: clinical testing. Allele origin: germline. Affected: no.

Institute of Human Genetics, Univ. Regensburg, Univ. Regensburg
Classification: Likely pathogenic for Retinal dystrophy. Last evaluated: 2022-01-01. Review status: criteria provided, single submitter. Criteria: ACMG Guidelines, 2015. Collection method: clinical testing. Allele origin: germline. Affected: yes.

CeGaT Center for Human Genetics Tuebingen
Classification: Pathogenic. Last evaluated: 2017-07-01. Review status: criteria provided, single submitter. Criteria: CeGaT Center For Human Genetics Tuebingen Variant Classification Criteria Version 2. Collection method: clinical testing. Allele origin: germline. Affected: yes. Observed: 1 variant allele.

PreventionGenetics, part of Exact Sciences
Classification: Likely pathogenic for CRB1-related condition. Last evaluated: 2024-08-16. Review status: no assertion criteria provided. Collection method: clinical testing. Allele origin: germline. Not counted in ClinVar's aggregate classification.
Comment: The CRB1 c.2171A>G variant is predicted to result in the amino acid substitution p.Tyr724Cys. This variant has been reported in the compound heterozygous state in multiple individuals with retinal disease (Cordovez et al. 2015. PubMed ID: 24512366; Table S1, Stone et al. 2017. PubMed ID: 28559085; Table S1, Tracewska et al. 2021. PubMed ID: 34321860; Table S1, Schlottmann et al. 2023. PubMed ID: 37217489). This variant is reported in 0.0018% of alleles in individuals of European (Non-Finnish) descent in gnomAD. Given the evidence, we interpret this variant as likely pathogenic.

Literature cited by the submitters: PubMed 39062705 (cited by Natera, Inc.); PubMed 37217489 (cited by Natera, Inc.); PubMed 34321860 (cited by Natera, Inc.); PubMed 32037395 (cited by Natera, Inc. and Institute of Human Genetics, Univ. Regensburg, Univ. Regensburg); PubMed 24512366 (cited by Labcorp Genetics (formerly Invitae), Labcorp and Institute of Human Genetics, Univ. Regensburg, Univ. Regensburg); PubMed 28559085 (cited by Labcorp Genetics (formerly Invitae), Labcorp and Institute of Human Genetics, Univ. Regensburg, Univ. Regensburg); PubMed 31964843 (cited by Institute of Human Genetics, Univ. Regensburg, Univ. Regensburg).

NM_201253.3(CRB1):c.2171A>G (p.Tyr724Cys)

Gene: CRB1 (crumbs cell polarity complex component 1; plus strand). Cytogenetic location: 1q31.3.
Variant type: single nucleotide variant.
Coding change: c.2171A>G on transcript NM_201253.3 (MANE Select); coding-DNA position 2171, A replaced by G.
Protein change: p.Tyr724Cys; replaces tyrosine 724 with cysteine.
Molecular consequence: missense variant. On other transcripts: non-coding transcript variant (2), intron variant (1).
Genome position (GRCh38, 1-based): chr1:197,427,496, A>G. VCF-style: chr1-197427496-A-G. GRCh37 (hg19) VCF-style: chr1-197396626-A-G.
Other names: c.1835A>G, p.Tyr612Cys (NM_001193640.2); c.1964A>G, p.Tyr655Cys (NM_001257965.2); c.2128+5540A>G (NM_001257966.2); c.2171A>G (NM_201253.2); short protein forms Y612C, Y655C, Y724C.
Identifiers: ClinVar variation 872033 (VCV000872033.51), dbSNP rs765676754, ClinGen allele CA1312065.